The following is an entry in ClinVar:

ClinVar aggregate classification (germline): Uncertain significance. Review status: criteria provided, multiple submitters, no conflicts (2 of 4 stars). 2 submissions from 2 submitters: Uncertain significance (2). Last evaluated 2021-11-15.

Conditions:
Retinitis pigmentosa (RP). Identifiers: Orphanet 791, MedGen C0035334, MeSH D012174, MONDO:0019200, OMIM 268000. Inheritance: Autosomal dominant, autosomal recessive and X linked inheritance.

Submissions (2):

Labcorp Genetics (formerly Invitae), Labcorp
Classification: Uncertain significance. Last evaluated: 2021-11-15. Review status: criteria provided, single submitter. Criteria: Invitae Variant Classification Sherloc (09022015). Collection method: clinical testing. Allele origin: germline.
Comment: This variant is not present in population databases (gnomAD no frequency). In summary, the available evidence is currently insufficient to determine the role of this variant in disease. Therefore, it has been classified as a Variant of Uncertain Significance. Algorithms developed to predict the effect of sequence changes on RNA splicing suggest that this variant may create or strengthen a splice site. Algorithms developed to predict the effect of missense changes on protein structure and function (SIFT, PolyPhen-2, Align-GVGD) all suggest that this variant is likely to be tolerated. ClinVar contains an entry for this variant (Variation ID: 339475). This variant has not been reported in the literature in individuals affected with PRPF6-related conditions. This sequence change replaces glycine, which is neutral and non-polar, with serine, which is neutral and polar, at codon 498 of the PRPF6 protein (p.Gly498Ser).

Illumina Laboratory Services, Illumina
Classification: Uncertain significance for Retinitis pigmentosa. Last evaluated: 2018-01-13. Review status: criteria provided, single submitter. Criteria: ICSL Variant Classification Criteria 13 December 2019. Collection method: clinical testing. Allele origin: germline.

NM_012469.4(PRPF6):c.1492G>A (p.Gly498Ser)

Genes: PRPF6 (pre-mRNA processing factor 6; plus strand), LOC126863089 (BRD4-independent group 4 enhancer GRCh37_chr20:62642795-62643994; plus strand). Cytogenetic location: 20q13.33.
Variant type: single nucleotide variant.
Coding change: c.1492G>A on transcript NM_012469.4 (MANE Select); coding-DNA position 1492, G replaced by A.
Protein change: p.Gly498Ser; replaces glycine 498 with serine.
Molecular consequence: missense variant.
Genome position (GRCh38, 1-based): chr20:64,011,471, G>A. VCF-style: chr20-64011471-G-A. GRCh37 (hg19) VCF-style: chr20-62642824-G-A.
Other names: short protein forms G498S.
Identifiers: ClinVar variation 339475 (VCV000339475.10), dbSNP rs886056961, ClinGen allele CA10653437.
Genomic context (GRCh38, chr20:64,011,471, plus strand): 5'-GGGAACACGCAGATGGTGGAGAAGATCATCGACCGAGCCATCACCTCGCTGCGGGCCAAC[G>A]GTGTGGAGATCAACCGTGAGCAGTGGATCCAGGTGGGCCGCAGGCGGGTGTCGTGGTGTC-3'
Protein context (NP_036601.2, residues 488-508): DRAITSLRAN[Gly498Ser]VEINREQWIQ